The following is an entry in ClinVar:

NM_000038.6(APC):c.389G>T (p.Ser130Ile)

Gene: APC (APC regulator of Wnt signaling pathway; plus strand). Cytogenetic location: 5q22.2.
Variant type: single nucleotide variant.
Coding change: c.389G>T on transcript NM_000038.6 (MANE Select); coding-DNA position 389, G replaced by T.
Protein change: p.Ser130Ile; replaces serine 130 with isoleucine.
Molecular consequence: missense variant. On other transcripts: 5 prime UTR variant (4), non-coding transcript variant (2).
Genome position (GRCh38, 1-based): chr5:112,767,357, G>T. VCF-style: chr5-112767357-G-T. GRCh37 (hg19) VCF-style: chr5-112103054-G-T.
Other names: c.389G>T, p.Ser130Ile (NM_001127510.3, NM_001354895.2, NM_001354896.2 and 16 more transcripts); c.419G>T, p.Ser140Ile (NM_001127511.3, NM_001354897.2, NM_001354902.2 and 1 more transcripts); c.314G>T, p.Ser105Ile (NM_001354898.2, NM_001354904.2, NM_001407451.1); c.212G>T, p.Ser71Ile (NM_001354900.2, NM_001354901.2, NM_001354905.2 and 1 more transcripts); c.-647G>T (NM_001354906.2, NM_001407470.1, NM_001407471.1 and 1 more transcripts); c.389G>T (NM_000038.5); short protein forms S105I, S71I, S130I, S140I.
Identifiers: ClinVar variation 2891423 (VCV002891423.4), dbSNP rs2149789692, ClinGen allele CA16022169.

ClinVar aggregate classification (germline): Uncertain significance. Review status: criteria provided, multiple submitters, no conflicts (2 of 4 stars). 2 submissions from 2 submitters: Uncertain significance (2). Last evaluated 2026-06-01.

Conditions:
Hereditary cancer-predisposing syndrome. Also called: Hereditary neoplastic syndrome; Neoplastic Syndromes, Hereditary; Tumor predisposition; Hereditary Cancer Syndrome. Identifiers: Orphanet 140162, MedGen C0027672, MeSH D009386, MONDO:0015356.
Familial adenomatous polyposis 1 (FAP1). Also called: POLYPOSIS, ADENOMATOUS INTESTINAL; FAMILIAL ADENOMATOUS POLYPOSIS 1, ATTENUATED. Identifiers: MedGen C2713442, MONDO:0021056, OMIM 175100. Disease mechanism: loss of function.

Submissions (2):

Ambry Genetics
Classification: Uncertain significance for Hereditary cancer-predisposing syndrome. Last evaluated: 2026-06-01. Review status: criteria provided, single submitter. Criteria: Ambry Variant Classification Scheme 2023. Collection method: clinical testing. Allele origin: germline.
Comment: The p.S130I variant (also known as c.389G>T), located in coding exon 3 of the APC gene, results from a G to T substitution at nucleotide position 389. The serine at codon 130 is replaced by isoleucine, an amino acid with dissimilar properties. This amino acid position is conserved. In addition, in silico predictors for this gene do not accurately predict pathogenicity. Based on the available evidence, the clinical significance of this variant remains unclear.

Labcorp Genetics (formerly Invitae), Labcorp
Classification: Uncertain significance for Familial adenomatous polyposis 1. Last evaluated: 2023-09-13. Review status: criteria provided, single submitter. Criteria: Invitae Variant Classification Sherloc (09022015). Collection method: clinical testing. Allele origin: germline.
Comment: In summary, the available evidence is currently insufficient to determine the role of this variant in disease. Therefore, it has been classified as a Variant of Uncertain Significance. Advanced modeling of protein sequence and biophysical properties (such as structural, functional, and spatial information, amino acid conservation, physicochemical variation, residue mobility, and thermodynamic stability) performed at Invitae indicates that this missense variant is not expected to disrupt APC protein function. This variant has not been reported in the literature in individuals affected with APC-related conditions. This variant is not present in population databases (gnomAD no frequency). This sequence change replaces serine, which is neutral and polar, with isoleucine, which is neutral and non-polar, at codon 130 of the APC protein (p.Ser130Ile).